The following is an entry in ClinVar:

NM_194313.4(KIF24):c.4062C>G (p.Thr1354=)

Genes: KIF24 (kinesin family member 24; minus strand), LOC126860617 (CDK7 strongly-dependent group 2 enhancer GRCh37_chr9:34254397-34255596; plus strand). Cytogenetic location: 9p13.3.
Variant type: single nucleotide variant.
Coding change: c.4062C>G on transcript NM_194313.4 (MANE Select); coding-DNA position 4062, C replaced by G.
Protein change: p.Thr1354=; no amino-acid change (threonine 1354 retained).
Molecular consequence: synonymous variant.
Genome position (GRCh38, 1-based): chr9:34,254,425, G>C on the plus strand (C>G on the coding strand, the complement: KIF24 is on the minus strand). VCF-style: chr9-34254425-G-C. GRCh37 (hg19) VCF-style: chr9-34254423-G-C.
Identifiers: ClinVar variation 3905754 (VCV003905754.10).

ClinVar aggregate classification (germline): Likely benign (1 of 4 stars; one submission).

gnomAD v4.1: 1 of 1,613,852 alleles (0.000062%); no homozygotes.

Submission:

CeGaT Center for Human Genetics Tuebingen
Classification: Likely benign. Last evaluated: 2025-04-01. Review status: criteria provided, single submitter. Criteria: CeGaT Center For Human Genetics Tuebingen Variant Classification Criteria Version 2. Collection method: clinical testing. Allele origin: germline. Affected: yes. Observed: 1 variant allele.
Comment: KIF24: BP4, BP7